The following is an entry in ClinVar:

NM_001283009.2(RTEL1):c.3175G>A (p.Ala1059Thr)

Genes: RTEL1 (regulator of telomere elongation helicase 1; plus strand), RTEL1-TNFRSF6B (RTEL1-TNFRSF6B readthrough (NMD candidate); plus strand). Cytogenetic location: 20q13.33.
Variant type: single nucleotide variant.
Coding change: c.3175G>A on transcript NM_001283009.2 (MANE Select); coding-DNA position 3175, G replaced by A.
Protein change: p.Ala1059Thr; replaces alanine 1059 with threonine.
Molecular consequence: missense variant. On other transcripts: non-coding transcript variant (1).
Genome position (GRCh38, 1-based): chr20:63,694,806, G>A. VCF-style: chr20-63694806-G-A. GRCh37 (hg19) VCF-style: chr20-62326159-G-A.
Other names: c.2506G>A, p.Ala836Thr (NM_001283010.1); c.3175G>A, p.Ala1059Thr (NM_016434.4); c.3247G>A, p.Ala1083Thr (NM_032957.5); short protein forms A1083T, A1059T, A836T.
Identifiers: ClinVar variation 473918 (VCV000473918.19), dbSNP rs115303435, ClinGen allele CA9965892.
Genomic context (GRCh38, chr20:63,694,806, plus strand): 5'-CCTGGCAGCCAACCACAGTGGGGGTCTGGAGTGCCCAGAGCAGGGAAGCAGGGCCAGCAC[G>A]CCGTGAGCGCCTACCTGGCTGATGCCCGCAGGGCCCTGGGGTCCGCGGGCTGTAGCCAAC-3'
Protein context (NP_001269938.1, residues 1049-1069): VPRAGKQGQH[Ala1059Thr]VSAYLADARR

ClinVar aggregate classification (germline): Benign/Likely benign. Review status: criteria provided, multiple submitters, no conflicts (2 of 4 stars). 6 submissions from 6 submitters: Benign (3); Likely benign (2). 1 of the submissions does not count toward it. Last evaluated 2026-02-01.

Conditions:
Dyskeratosis congenita. Identifiers: Orphanet 1775, MedGen C0265965, MONDO:0015780.
Dyskeratosis congenita, autosomal recessive 5 (DKCB5). Identifiers: MedGen C3554656, MONDO:0014076, OMIM 615190.
Pulmonary fibrosis and/or bone marrow failure, Telomere-related, 3. Also called: PULMONARY FIBROSIS AND/OR BONE MARROW FAILURE SYNDROME, TELOMERE-RELATED, 3. Identifiers: Orphanet 2032, MedGen C4225346, MONDO:0014613, OMIM 616373.

Allele frequency attached by ClinVar (database versions not stated): ESP Exome Variant Server 0.00016; gnomAD 0.00112 and 0.00156; TOPMed 0.00172; ExAC 0.00308; gnomAD exomes 0.00318; 1000 Genomes Project 30x 0.00703; 1000 Genomes Project 0.00779.

Submissions (6):

Labcorp Genetics (formerly Invitae), Labcorp
Classification: Benign for Dyskeratosis congenita, autosomal recessive 5; Pulmonary fibrosis and/or bone marrow failure, Telomere-related, 3. Last evaluated: 2026-02-01. Review status: criteria provided, single submitter. Criteria: Invitae Variant Classification Sherloc (09022015). Collection method: clinical testing. Allele origin: germline.

Blueprint Genetics
Classification: Likely benign. Last evaluated: 2024-11-23. Review status: criteria provided, single submitter. Criteria: ACMG Guidelines, 2015. Collection method: clinical testing. Allele origin: germline.

ARUP Laboratories, Molecular Genetics and Genomics, ARUP Laboratories
Classification: Likely benign. Last evaluated: 2024-02-06. Review status: criteria provided, single submitter. Criteria: ARUP Molecular Germline Variant Investigation Process 2024. Collection method: clinical testing. Allele origin: germline.

GeneDx
Classification: Benign. Last evaluated: 2021-01-18. Review status: criteria provided, single submitter. Criteria: GeneDx Variant Classification Process June 2021. Collection method: clinical testing. Allele origin: germline. Affected: yes.
Comment: This variant is associated with the following publications: (PMID: 30462709)

Breakthrough Genomics
Classification: Benign. Review status: criteria provided, single submitter. Criteria: ACMG Guidelines, 2015. Collection method: not provided. Allele origin: germline. Inheritance: Autosomal recessive inheritance. Affected: yes.

Natera, Inc.
Classification: Benign for Dyskeratosis congenita. Last evaluated: 2020-09-16. Review status: no assertion criteria provided. Collection method: clinical testing. Allele origin: germline. Not counted in ClinVar's aggregate classification.